The following is an entry in ClinVar:

NM_000548.5(TSC2):c.848+4A>G

Gene: TSC2 (TSC complex subunit 2; plus strand). Cytogenetic location: 16p13.3.
Variant type: single nucleotide variant.
Coding change: c.848+4A>G on transcript NM_000548.5 (MANE Select); 4 bases into the intron after coding-DNA position 848, A replaced by G.
Molecular consequence: intron variant.
Genome position (GRCh38, 1-based): chr16:2,057,182, A>G. VCF-style: chr16-2057182-A-G. GRCh37 (hg19) VCF-style: chr16-2107183-A-G.
Other names: c.-584+4A>G (NM_001406693.1, NM_001406689.1, NM_001406690.1 and 4 more transcripts); c.938+4A>G (NM_001406667.1, NM_001406668.1); c.248+4A>G (NM_001406680.1, NM_001406683.1, NM_001406687.1 and 6 more transcripts); c.-760+4A>G (NM_001406698.1); c.848+4A>G (NM_001114382.3, NM_001406663.1, NM_001406664.1 and 6 more transcripts); c.-465+4A>G (NM_001406694.1, NM_001406695.1); c.836+4A>G (NM_001406671.1, NM_001406673.1); c.386+4A>G (NM_001406681.1); and 4 more.
Identifiers: ClinVar variation 3974671 (VCV003974671.1).
Genomic context (GRCh38, chr16:2,057,182, plus strand): 5'-TGGCACCCACCTGGGCCACAGCGCCATCTACAACATGTGCCACCTCATGGAGGACAGGTG[A>G]GTGTGGTGGGTGGGGCGCAGGGCAGTGGAGGCCAGCACAGCCCTCGGGGCAGCTCCAGTG-3'

ClinVar aggregate classification (germline): Uncertain significance (1 of 4 stars; one submission).

Conditions:
Hereditary cancer-predisposing syndrome. Also called: Tumor predisposition; Hereditary neoplastic syndrome; Hereditary Cancer Syndrome; Neoplastic Syndromes, Hereditary. Identifiers: Orphanet 140162, MedGen C0027672, MeSH D009386, MONDO:0015356.

Submission:

Ambry Genetics
Classification: Uncertain significance for Hereditary cancer-predisposing syndrome. Last evaluated: 2025-05-15. Review status: criteria provided, single submitter. Criteria: Ambry Variant Classification Scheme 2023. Collection method: clinical testing. Allele origin: germline.
Comment: The c.848+4A>G intronic variant results from an A to G substitution 4 nucleotides after coding exon 8 in the TSC2 gene. This nucleotide position is well conserved in available vertebrate species. In silico splice site analysis predicts that this alteration will not have any significant effect on splicing. Based on the available evidence, the clinical significance of this variant remains unclear.